The following is an entry in ClinVar:

ClinVar aggregate classification (germline): Uncertain significance (1 of 4 stars; one submission).

Allele frequency attached by ClinVar (database versions not stated): TOPMed below 0.00001; ExAC 0.00011; 1000 Genomes Project 30x 0.00016.
gnomAD v4.1: 9 of 1,551,386 alleles (0.00058%); highest among the groups gnomAD compares: South Asian, 0.011%; no homozygotes.

Submission:

Labcorp Genetics (formerly Invitae), Labcorp
Classification: Uncertain significance. Last evaluated: 2021-01-19. Review status: criteria provided, single submitter. Criteria: Invitae Variant Classification Sherloc (09022015). Collection method: clinical testing. Allele origin: germline.
Comment: In summary, the available evidence is currently insufficient to determine the role of this variant in disease. Therefore, it has been classified as a Variant of Uncertain Significance. Algorithms developed to predict the effect of missense changes on protein structure and function are either unavailable or do not agree on the potential impact of this missense change (SIFT: "Not Available"; PolyPhen-2: "Benign"; Align-GVGD: "Not Available"). This variant has not been reported in the literature in individuals with UBA5-related conditions. This variant is present in population databases (rs762794075, ExAC 0.03%). This sequence change replaces glutamic acid with lysine at codon 14 of the UBA5 protein (p.Glu14Lys). The glutamic acid residue is moderately conserved and there is a small physicochemical difference between glutamic acid and lysine.

NM_024818.6(UBA5):c.40G>A (p.Glu14Lys)

Genes: NPHP3-ACAD11 (NPHP3-ACAD11 readthrough (NMD candidate); minus strand), UBA5 (ubiquitin like modifier activating enzyme 5; plus strand). Cytogenetic location: 3q22.1.
Variant type: single nucleotide variant.
Coding change: c.40G>A on transcript NM_024818.6 (MANE Select); coding-DNA position 40, G replaced by A.
Protein change: p.Glu14Lys; replaces glutamic acid 14 with lysine.
Molecular consequence: missense variant. On other transcripts: 5 prime UTR variant (3), intron variant (1).
Genome position (GRCh38, 1-based): chr3:132,660,577, G>A. VCF-style: chr3-132660577-G-A. GRCh37 (hg19) VCF-style: chr3-132379421-G-A.
Other names: c.-479G>A (NM_001320210.2); c.-445G>A (NM_001321238.2); c.-161G>A (NM_001321239.1); c.-7-5246G>A (NM_198329.4); short protein forms E14K.
Identifiers: ClinVar variation 1366023 (VCV001366023.4), dbSNP rs762794075, ClinGen allele CA2621248.